The following is an entry in ClinVar:

ClinVar aggregate classification (germline): Benign. Review status: criteria provided, single submitter (1 of 4 stars). 2 submissions from 2 submitters: Benign (1). 1 of the submissions does not count toward it. Last evaluated 2026-01-11.

Conditions:
Bardet-Biedl syndrome (BBS). Identifiers: Orphanet 110, MedGen C0752166, MONDO:0015229.
BBS9-related disorder. Also called: BBS9-related condition.

Submissions (2):

Labcorp Genetics (formerly Invitae), Labcorp
Classification: Benign for Bardet-Biedl syndrome. Last evaluated: 2026-01-11. Review status: criteria provided, single submitter. Criteria: Invitae Variant Classification Sherloc (09022015). Collection method: clinical testing. Allele origin: germline.

PreventionGenetics, part of Exact Sciences
Classification: Likely benign for BBS9-related condition. Last evaluated: 2021-08-23. Review status: no assertion criteria provided. Collection method: clinical testing. Allele origin: germline. Not counted in ClinVar's aggregate classification.
Comment: This variant is classified as likely benign based on ACMG/AMP sequence variant interpretation guidelines (Richards et al. 2015 PMID: 25741868, with internal and published modifications).

NM_198428.3(BBS9):c.2633-5dup

Gene: BBS9 (Bardet-Biedl syndrome 9; plus strand). Cytogenetic location: 7p14.3.
Variant type: Duplication.
Coding change: c.2633-5dup on transcript NM_198428.3 (MANE Select); 5 bases into the intron before coding-DNA position 2633, one base duplicated (T; older notation c.2633-5dupT).
Molecular consequence: intron variant.
Genome position (GRCh38, 1-based): chr7:33,605,190, T duplicated; the last of 7 consecutive T bases (chr7:33,605,184-33,605,190); duplicating any one gives the same sequence. VCF-style (leftmost placement, unchanged base first): chr7-33605183-C-CT. GRCh37 (hg19) VCF-style: chr7-33644795-C-CT.
Other names: c.2633-5dup (NM_001348036.1); c.2522-29987dup (NM_001362679.1); c.2632+215dup (NM_001348041.4); c.2360-5dup (NM_001348038.3); c.2255-5dup (NM_001348039.3); c.2633-8dup (NM_001348043.3); c.2618-5dup (NM_001033605.2); c.2528-5dup (NM_001033604.2); and 7 more.
Identifiers: ClinVar variation 1601277 (VCV001601277.10), dbSNP rs761809109, ClinGen allele CA573762440.